The following is an entry in ClinVar:

ClinVar aggregate classification (germline): Uncertain significance. Review status: criteria provided, multiple submitters, no conflicts (2 of 4 stars). 2 submissions from 2 submitters: Uncertain significance (2). Last evaluated 2024-03-20.

Conditions:
Autosomal dominant Alport syndrome (ATS3A). Also called: ALPORT SYNDROME 3A, AUTOSOMAL DOMINANT; Alport syndrome dominant type; Renal failure and sensorineural hearing loss. Identifiers: Orphanet 63, Orphanet 88918, MedGen C5882663, MONDO:0007086, OMIM 104200.
Alport syndrome 3b, autosomal recessive. Identifiers: MedGen C5882699, MONDO:0957811, OMIM 620536.
Hematuria, benign familial, 2 (BFH2). Identifiers: MedGen C5830421, MONDO:0958186, OMIM 620320.

Allele frequency attached by ClinVar (database versions not stated): gnomAD 0.00001; TOPMed 0.00001; ExAC 0.00004; 1000 Genomes Project 30x 0.00016; 1000 Genomes Project 0.00020.
gnomAD v4.1: 23 of 1,613,782 alleles (0.0014%); highest among the groups gnomAD compares: South Asian, 0.0055%; no homozygotes.

Submissions (2):

Fulgent Genetics
Classification: Uncertain significance for Autosomal dominant Alport syndrome; Hematuria, benign familial, 2; Alport syndrome 3b, autosomal recessive. Last evaluated: 2024-03-20. Review status: criteria provided, single submitter. Criteria: ACMG Guidelines, 2015. Collection method: clinical testing. Allele origin: germline.

Labcorp Genetics (formerly Invitae), Labcorp
Classification: Uncertain significance. Last evaluated: 2022-02-22. Review status: criteria provided, single submitter. Criteria: Invitae Variant Classification Sherloc (09022015). Collection method: clinical testing. Allele origin: germline.
Comment: This sequence change affects codon 268 of the COL4A3 mRNA. It is a 'silent' change, meaning that it does not change the encoded amino acid sequence of the COL4A3 protein. This variant is present in population databases (rs567238530, gnomAD 0.01%). This variant has not been reported in the literature in individuals affected with COL4A3-related conditions. Algorithms developed to predict the effect of sequence changes on RNA splicing suggest that this variant may create or strengthen a splice site. In summary, the available evidence is currently insufficient to determine the role of this variant in disease. Therefore, it has been classified as a Variant of Uncertain Significance.

NM_000091.5(COL4A3):c.804C>T (p.Gly268=)

Genes: COL4A3 (collagen type IV alpha 3 chain; plus strand), MFF-DT (MFF divergent transcript; minus strand). Cytogenetic location: 2q36.3.
Variant type: single nucleotide variant.
Coding change: c.804C>T on transcript NM_000091.5 (MANE Select); coding-DNA position 804, C replaced by T.
Protein change: p.Gly268=; no amino-acid change (glycine 268 retained).
Molecular consequence: synonymous variant.
Genome position (GRCh38, 1-based): chr2:227,254,150, C>T. VCF-style: chr2-227254150-C-T. GRCh37 (hg19) VCF-style: chr2-228118866-C-T.
Identifiers: ClinVar variation 2139635 (VCV002139635.2), dbSNP rs567238530, ClinGen allele CA2146373.